The following is an entry in ClinVar:

NM_004519.4(KCNQ3):c.-6A>G

Gene: KCNQ3 (potassium voltage-gated channel subfamily Q member 3; minus strand). Cytogenetic location: 8q24.22.
Variant type: single nucleotide variant.
Coding change: c.-6A>G on transcript NM_004519.4 (MANE Select); 6 bases upstream of the start codon, A replaced by G.
Molecular consequence: 5 prime UTR variant.
Genome position (GRCh38, 1-based): chr8:132,480,538, T>C on the plus strand (A>G on the coding strand, the complement: KCNQ3 is on the minus strand). VCF-style: chr8-132480538-T-C. GRCh37 (hg19) VCF-style: chr8-133492785-T-C.
Identifiers: ClinVar variation 1300594 (VCV001300594.2), dbSNP rs780717504, ClinGen allele CA4881036.
Genomic context (GRCh38, chr8:132,480,538, plus strand): 5'-CCCCGTCGCCGCCGCCGCCAGCCGCCCCCGCCGCCCTGCGCGCCTTGAGCCCCATCTGCC[T>C]CGCCCCCGCCGGCCGCTTCGCCTTCTCCGCTGCTGCTCTGGGAAGAAGGGGCGCTCGGGG-3'

ClinVar aggregate classification (germline): Uncertain significance (1 of 4 stars; one submission).

Allele frequency attached by ClinVar (database versions not stated): TOPMed 0.00001; gnomAD exomes 0.00002; ExAC 0.00007.

Submission:

GeneDx
Classification: Uncertain significance. Last evaluated: 2021-10-11. Review status: criteria provided, single submitter. Criteria: GeneDx Variant Classification Process June 2021. Collection method: clinical testing. Allele origin: germline. Affected: yes.
Comment: Variant located in the Kozak sequence just upstream of the ATG translational start site, which plays a major role in the initiation of translation; however, in the absence of RNA/functional studies, the actual effect of this sequence change in this individual is unknown.; Has not been previously published as pathogenic or benign to our knowledge